The following is an entry in ClinVar:

NM_020120.4(UGGT1):c.3961T>C (p.Trp1321Arg)

Gene: UGGT1 (UDP-glucose glycoprotein glucosyltransferase 1; plus strand). Cytogenetic location: 2q14.3.
Variant type: single nucleotide variant.
Coding change: c.3961T>C on transcript NM_020120.4 (MANE Select); coding-DNA position 3961, T replaced by C.
Protein change: p.Trp1321Arg; replaces tryptophan 1321 with arginine.
Molecular consequence: missense variant. On other transcripts: non-coding transcript variant (1).
Genome position (GRCh38, 1-based): chr2:128,180,950, T>C. VCF-style: chr2-128180950-T-C. GRCh37 (hg19) VCF-style: chr2-128938524-T-C.
Other names: short protein forms W1321R.
Identifiers: ClinVar variation 4795529 (VCV004795529.1).

ClinVar aggregate classification (germline): Uncertain significance (1 of 4 stars; one submission).

gnomAD v4.1: 4 of 1,614,230 alleles (0.00025%); highest among the groups gnomAD compares: Non-Finnish European, 0.00034%; no homozygotes.

Submission:

GeneDx
Classification: Uncertain significance. Last evaluated: 2025-08-11. Review status: criteria provided, single submitter. Criteria: GeneDx Variant Classification Process June 2021. Collection method: clinical testing. Allele origin: germline. Affected: yes.
Comment: Not observed at significant frequency in large population cohorts (gnomAD); In silico analysis supports that this missense variant has a deleterious effect on protein structure/function; Has not been previously published as pathogenic or benign to our knowledge